The following is an entry in ClinVar:

NM_004959.5(NR5A1):c.251G>A (p.Arg84His)

Gene: NR5A1 (nuclear receptor subfamily 5 group A member 1; minus strand). Cytogenetic location: 9q33.3.
Variant type: single nucleotide variant.
Coding change: c.251G>A on transcript NM_004959.5 (MANE Select); coding-DNA position 251, G replaced by A.
Protein change: p.Arg84His; replaces arginine 84 with histidine.
Molecular consequence: missense variant.
Genome position (GRCh38, 1-based): chr9:124,500,709, C>T on the plus strand (G>A on the coding strand, the complement: NR5A1 is on the minus strand). VCF-style: chr9-124500709-C-T. GRCh37 (hg19) VCF-style: chr9-127262988-C-T.
Other names: short protein forms R84H.
Identifiers: ClinVar variation 641278 (VCV000641278.13), dbSNP rs375469069, ClinGen allele CA5235511.

ClinVar aggregate classification (germline): Pathogenic/Likely pathogenic. Review status: criteria provided, multiple submitters, no conflicts (2 of 4 stars). 3 submissions from 3 submitters: Pathogenic (2); Likely pathogenic (1). Last evaluated 2025-09-02.

Conditions:
Oligosynaptic infertility (SPGF1). Also called: OLIGOCHIASMATIC INFERTILITY; SPERMATOGENIC FAILURE 1. Identifiers: MedGen C0403810, MONDO:0009776, OMIM 258150.
46 XY differences of sex development. Also called: 46,XY disorder of sex development; 46, XY disorder of sex development (DSD). Identifiers: Orphanet 98085, MedGen C2751824, MONDO:0020040.
46,XY sex reversal 3. Also called: 46,XY SEX REVERSAL, PARTIAL OR COMPLETE, NR5A1-RELATED; 46,XY GONADAL DYSGENESIS, PARTIAL OR COMPLETE, WITH OR WITHOUT ADRENAL FAILURE; DISORDER OF SEX DEVELOPMENT, 46,XY, NR5A1-RELATED; NR5A1-related 46,XY complete gonadal dysgenesis; SEX REVERSAL, XY, WITH OR WITHOUT ADRENAL FAILURE. Identifiers: MedGen C3489793, MONDO:0013066, OMIM 612965.
NR5A1-related disorder. Also called: NR5A1-related condition.

Allele frequency attached by ClinVar (database versions not stated): gnomAD exomes below 0.00001; ExAC 0.00001; ESP Exome Variant Server 0.00008.
gnomAD v4.1: 1 of 1,612,830 alleles (0.000062%); highest among the groups gnomAD compares: East Asian, 0.0022%; no homozygotes.

Submissions (3):

Labcorp Genetics (formerly Invitae), Labcorp
Classification: Pathogenic for 46 XY differences of sex development; Oligosynaptic infertility. Last evaluated: 2025-09-02. Review status: criteria provided, single submitter. Criteria: Invitae Variant Classification Sherloc (09022015). Collection method: clinical testing. Allele origin: germline.
Comment: This sequence change replaces arginine, which is basic and polar, with histidine, which is basic and polar, at codon 84 of the NR5A1 protein (p.Arg84His). This variant is present in population databases (rs375469069, gnomAD 0.006%). This missense change has been observed in individuals with 46,XY disorders of sex development (PMID: 17694559, 27899157). ClinVar contains an entry for this variant (Variation ID: 641278). Invitae Evidence Modeling of protein sequence and biophysical properties (such as structural, functional, and spatial information, amino acid conservation, physicochemical variation, residue mobility, and thermodynamic stability) indicates that this missense variant is expected to disrupt NR5A1 protein function with a positive predictive value of 95%. Experimental studies have shown that this missense change affects NR5A1 function (PMID: 17694559). This variant disrupts the p.Arg84 amino acid residue in NR5A1. Other variant(s) that disrupt this residue have been observed in individuals with NR5A1-related conditions (PMID: 24434652), which suggests that this may be a clinically significant amino acid residue. For these reasons, this variant has been classified as Pathogenic.

PreventionGenetics, part of Exact Sciences
Classification: Pathogenic for NR5A1-related condition. Last evaluated: 2023-05-07. Review status: criteria provided, single submitter. Criteria: ACMG Guidelines, 2015. Collection method: clinical testing. Allele origin: germline.
Comment: The NR5A1 c.251G>A variant is predicted to result in the amino acid substitution p.Arg84His. This variant has been reported to have arise de novo in individuals with 46,XY disorders of sex development (Kohler et al 2008. PubMed ID: 17694559; Eggers S et al 2016. PubMed ID: 27899157; Sreenivasan R et al 2018. PubMed ID: 30067310; Ochoa MF et al 2020. PubMed ID: 34095474). Functional studies of this variant revealed impaired transcriptional activation of NR5A1-responsive target genes (Kohler et al 2008. PubMed ID: 17694559; Robevska et al. 2018. PubMed ID: 29027299; Sreenivasan R et al 2018. PubMed ID: 30067310) This variant is reported in 0.0056% of alleles in individuals of East Asian descent in gnomAD. An alternative variant at the same amino acid (p.Arg84Cys) has also been reported in patients with 46,XY DSD (Reuter et al. 2007. PubMed ID: 17656604). This variant is interpreted as pathogenic.

Kasturba Medical College, Manipal, Kasturba Medical College, Manipal, Manipal Academy of Higher Education, Manipal, India
Classification: Likely pathogenic for 46,XY sex reversal 3. Review status: criteria provided, single submitter. Criteria: ACMG Guidelines, 2015. Collection method: clinical testing. Allele origin: inherited. Inheritance: Autosomal dominant inheritance. Affected: yes.

Literature cited by the submitters: PubMed 17694559 (cited by Labcorp Genetics (formerly Invitae), Labcorp); PubMed 27899157 (cited by Labcorp Genetics (formerly Invitae), Labcorp); PubMed 24434652 (cited by Labcorp Genetics (formerly Invitae), Labcorp).